The following is an entry in ClinVar:

ClinVar aggregate classification (germline): Pathogenic (1 of 4 stars; one submission).

Conditions:
Acromesomelic dysplasia 1, Maroteaux type (AMD1). Also called: ACROMESOMELIC DYSPLASIA 1; ST. HELENA DYSPLASIA. Identifiers: Orphanet 40, MedGen C1864356, MONDO:0011275, OMIM 602875.
Tall stature-scoliosis-macrodactyly of the great toes syndrome. Also called: Epiphyseal chondrodysplasia, miura type. Identifiers: Orphanet 329191, MedGen C4014690, MONDO:0014401, OMIM 615923.

Submission:

Labcorp Genetics (formerly Invitae), Labcorp
Classification: Pathogenic for Tall stature-scoliosis-macrodactyly of the great toes syndrome; Acromesomelic dysplasia 1, Maroteaux type. Last evaluated: 2025-04-26. Review status: criteria provided, single submitter. Criteria: Invitae Variant Classification Sherloc (09022015). Collection method: clinical testing. Allele origin: germline.
Comment: This sequence change creates a premature translational stop signal (p.Gly849Glufs*34) in the NPR2 gene. It is expected to result in an absent or disrupted protein product. Loss-of-function variants in NPR2 are known to be pathogenic (PMID: 15146390, 15572448, 16384845). This variant is not present in population databases (gnomAD no frequency). This variant has not been reported in the literature in individuals affected with NPR2-related conditions. For these reasons, this variant has been classified as Pathogenic.

Literature cited by the submitters: PubMed 15146390; PubMed 15572448; PubMed 16384845.

NM_003995.4(NPR2):c.2546del (p.Gly849fs)

Gene: NPR2 (natriuretic peptide receptor 2; plus strand). Cytogenetic location: 9p13.3.
Variant type: Deletion.
Coding change: c.2546del on transcript NM_003995.4 (MANE Select); coding-DNA position 2546, one base deleted (G; older notation c.2546delG).
Protein change: p.Gly849fs; shifts the reading frame from glycine 849.
Molecular consequence: frameshift variant.
Genome position (GRCh38, 1-based): chr9:35,807,049, G deleted; the last of 4 consecutive G bases (chr9:35,807,046-35,807,049); deleting any one gives the same sequence. VCF-style (leftmost placement, unchanged base first): chr9-35807045-CG-C. GRCh37 (hg19) VCF-style: chr9-35807042-CG-C.
Other names: c.2555del, p.Gly852fs (NM_001378923.1); short protein forms G852fs, G849fs.
Identifiers: ClinVar variation 4784839 (VCV004784839.1).